The following is an entry in ClinVar:

ClinVar aggregate classification (germline): Conflicting classifications of pathogenicity. Review status: criteria provided, conflicting classifications (1 of 4 stars). 3 submissions from 3 submitters: Uncertain significance (1); Likely benign (2). Last evaluated 2026-02-02.

Conditions:
Inborn genetic diseases. Identifiers: MedGen C0950123, MeSH D030342.

Allele frequency attached by ClinVar (database versions not stated): ESP Exome Variant Server 0.00008; 1000 Genomes Project 30x 0.00016; 1000 Genomes Project 0.00020; gnomAD 0.00020 and 0.00021; TOPMed 0.00020; gnomAD exomes 0.00027 and 0.00038; ExAC 0.00035.
gnomAD v4.1: 576 of 1,614,000 alleles (0.036%); highest among the groups gnomAD compares: Non-Finnish European, 0.046%; no homozygotes.

Submissions (3):

Labcorp Genetics (formerly Invitae), Labcorp
Classification: Likely benign. Last evaluated: 2026-02-02. Review status: criteria provided, single submitter. Criteria: Invitae Variant Classification Sherloc (09022015). Collection method: clinical testing. Allele origin: germline.

Ambry Genetics
Classification: Uncertain significance for Inborn genetic diseases. Last evaluated: 2021-10-19. Review status: criteria provided, single submitter. Criteria: Ambry Variant Classification Scheme 2023. Collection method: clinical testing. Allele origin: germline.
Comment: The c.504-4A>G intronic alteration consists of a A to G substitution 4 nucleotides before exon 8 of the ASAH1 gene. Based on insufficient or conflicting evidence, the clinical significance of this alteration remains unclear.

Athena Diagnostics
Classification: Likely benign. Last evaluated: 2020-06-29. Review status: criteria provided, single submitter. Criteria: Athena Diagnostics Criteria. Collection method: clinical testing. Allele origin: unknown.

NM_177924.5(ASAH1):c.504-4A>G

Gene: ASAH1 (N-acylsphingosine amidohydrolase 1; minus strand). Cytogenetic location: 8p22.
Variant type: single nucleotide variant.
Coding change: c.504-4A>G on transcript NM_177924.5 (MANE Select); 4 bases into the intron before coding-DNA position 504, A replaced by G.
Molecular consequence: intron variant.
Genome position (GRCh38, 1-based): chr8:18,062,427, T>C on the plus strand (A>G on the coding strand, the complement: ASAH1 is on the minus strand). VCF-style: chr8-18062427-T-C. GRCh37 (hg19) VCF-style: chr8-17919936-T-C.
Other names: c.552-4A>G (NM_004315.6); c.486-4A>G (NM_001127505.3); c.309-4A>G (NM_001363743.2).
Identifiers: ClinVar variation 362378 (VCV000362378.14), dbSNP rs138920776, ClinGen allele CA4650794.